The following is an entry in ClinVar:

NM_004655.4(AXIN2):c.1844G>A (p.Arg615Lys)

Gene: AXIN2 (axin 2; minus strand). Cytogenetic location: 17q24.1.
Variant type: single nucleotide variant.
Coding change: c.1844G>A on transcript NM_004655.4 (MANE Select); coding-DNA position 1844, G replaced by A.
Protein change: p.Arg615Lys; replaces arginine 615 with lysine.
Molecular consequence: missense variant. On other transcripts: intron variant (1).
Genome position (GRCh38, 1-based): chr17:65,536,932, C>T on the plus strand (G>A on the coding strand, the complement: AXIN2 is on the minus strand). VCF-style: chr17-65536932-C-T. GRCh37 (hg19) VCF-style: chr17-63533050-C-T.
Other names: c.1713-379G>A (NM_001363813.1); short protein forms R615K.
Identifiers: ClinVar variation 3698284 (VCV003698284.3).

ClinVar aggregate classification (germline): Uncertain significance. Review status: criteria provided, multiple submitters, no conflicts (2 of 4 stars). 2 submissions from 2 submitters: Uncertain significance (2). Last evaluated 2026-04-22.

Conditions:
Oligodontia-cancer predisposition syndrome. Also called: TOOTH AGENESIS-COLORECTAL CANCER SYNDROME. Identifiers: Orphanet 300576, MedGen C1837750, MONDO:0012075, OMIM 608615. Disease mechanism: loss of function.
Hereditary cancer-predisposing syndrome. Also called: Hereditary Cancer Syndrome; Hereditary neoplastic syndrome; Neoplastic Syndromes, Hereditary; Tumor predisposition. Identifiers: Orphanet 140162, MedGen C0027672, MeSH D009386, MONDO:0015356.

Submissions (2):

Ambry Genetics
Classification: Uncertain significance for Hereditary cancer-predisposing syndrome. Last evaluated: 2026-04-22. Review status: criteria provided, single submitter. Criteria: Ambry Variant Classification Scheme 2023. Collection method: clinical testing. Allele origin: germline.
Comment: The p.R615K variant (also known as c.1844G>A), located in coding exon 6 of the AXIN2 gene, results from a G to A substitution at nucleotide position 1844. The arginine at codon 615 is replaced by lysine, an amino acid with highly similar properties. This amino acid position is well conserved in available vertebrate species. In addition, this alteration is predicted to be tolerated by in silico analysis. Based on the available evidence, the clinical significance of this variant remains unclear.

Labcorp Genetics (formerly Invitae), Labcorp
Classification: Uncertain significance for Oligodontia-cancer predisposition syndrome. Last evaluated: 2025-08-11. Review status: criteria provided, single submitter. Criteria: Invitae Variant Classification Sherloc (09022015). Collection method: clinical testing. Allele origin: germline.
Comment: This sequence change replaces arginine, which is basic and polar, with lysine, which is basic and polar, at codon 615 of the AXIN2 protein (p.Arg615Lys). This variant is not present in population databases (gnomAD no frequency). This variant has not been reported in the literature in individuals affected with AXIN2-related conditions. ClinVar contains an entry for this variant (Variation ID: 3698284). Invitae Evidence Modeling of protein sequence and biophysical properties (such as structural, functional, and spatial information, amino acid conservation, physicochemical variation, residue mobility, and thermodynamic stability) indicates that this missense variant is not expected to disrupt AXIN2 protein function with a negative predictive value of 80%. In summary, the available evidence is currently insufficient to determine the role of this variant in disease. Therefore, it has been classified as a Variant of Uncertain Significance.